The following is an entry in ClinVar:

ClinVar aggregate classification (germline): Likely benign. Review status: criteria provided, multiple submitters, no conflicts (2 of 4 stars). 4 submissions from 4 submitters: Likely benign (3). 1 of the submissions does not count toward it. Last evaluated 2026-06-01.

Conditions:
LIFR-related disorder. Also called: LIFR-related condition.

Allele frequency attached by ClinVar (database versions not stated): gnomAD exomes 0.00007 and 0.00014; ExAC 0.00014; gnomAD 0.00021 and 0.00023; ESP Exome Variant Server 0.00031; TOPMed 0.00037; 1000 Genomes Project 0.00080; 1000 Genomes Project 30x 0.00094.
gnomAD v4.1: 143 of 1,568,294 alleles (0.0091%); highest among the groups gnomAD compares: Admixed American, 0.037%; 2 homozygotes.

Submissions (4):

CeGaT Center for Human Genetics Tuebingen
Classification: Likely benign. Last evaluated: 2026-06-01. Review status: criteria provided, single submitter. Criteria: CeGaT Center For Human Genetics Tuebingen Variant Classification Criteria Version 2. Collection method: clinical testing. Allele origin: germline. Affected: yes. Observed: 1 variant allele.
Comment: LIFR: BP4, BP7

Labcorp Genetics (formerly Invitae), Labcorp
Classification: Likely benign. Last evaluated: 2026-02-04. Review status: criteria provided, single submitter. Criteria: Invitae Variant Classification Sherloc (09022015). Collection method: clinical testing. Allele origin: germline.

Blueprint Genetics
Classification: Likely benign. Last evaluated: 2024-09-03. Review status: criteria provided, single submitter. Criteria: ACMG Guidelines, 2015. Collection method: clinical testing. Allele origin: germline.

PreventionGenetics, part of Exact Sciences
Classification: Likely benign for LIFR-related condition. Last evaluated: 2019-09-13. Review status: no assertion criteria provided. Collection method: clinical testing. Allele origin: germline. Not counted in ClinVar's aggregate classification.
Comment: This variant is classified as likely benign based on ACMG/AMP sequence variant interpretation guidelines (Richards et al. 2015 PMID: 25741868, with internal and published modifications).

NM_001127671.2(LIFR):c.2139C>T (p.Arg713=)

Gene: LIFR (LIF receptor subunit alpha; minus strand). Cytogenetic location: 5p13.1.
Variant type: single nucleotide variant.
Coding change: c.2139C>T on transcript NM_001127671.2 (MANE Select); coding-DNA position 2139, C replaced by T.
Protein change: p.Arg713=; no amino-acid change (arginine 713 retained).
Molecular consequence: synonymous variant.
Genome position (GRCh38, 1-based): chr5:38,490,218, G>A on the plus strand (C>T on the coding strand, the complement: LIFR is on the minus strand). VCF-style: chr5-38490218-G-A. GRCh37 (hg19) VCF-style: chr5-38490320-G-A.
Other names: c.2139C>T, p.Arg713= (NM_001364297.2, NM_001364298.2, NM_002310.6).
Identifiers: ClinVar variation 760769 (VCV000760769.15), dbSNP rs192358829, ClinGen allele CA3242748.